The following is an entry in ClinVar:

ClinVar aggregate classification (germline): Likely benign. Review status: criteria provided, multiple submitters, no conflicts (2 of 4 stars). 2 submissions from 2 submitters: Likely benign (2). Last evaluated 2025-06-03.

Conditions:
Baller-Gerold syndrome (BGS). Also called: CRANIOSYNOSTOSIS WITH RADIAL DEFECTS. Identifiers: Orphanet 1225, MedGen C0265308, MONDO:0009039, OMIM 218600.

Allele frequency attached by ClinVar (database versions not stated): gnomAD exomes 0.00001.
gnomAD v4.1: 4 of 1,598,742 alleles (0.00025%); highest among the groups gnomAD compares: Non-Finnish European, 0.00034%; no homozygotes.

Submissions (2):

Labcorp Genetics (formerly Invitae), Labcorp
Classification: Likely benign for Baller-Gerold syndrome. Last evaluated: 2025-06-03. Review status: criteria provided, single submitter. Criteria: Invitae Variant Classification Sherloc (09022015). Collection method: clinical testing. Allele origin: germline.

CeGaT Center for Human Genetics Tuebingen
Classification: Likely benign. Last evaluated: 2022-05-01. Review status: criteria provided, single submitter. Criteria: CeGaT Center For Human Genetics Tuebingen Variant Classification Criteria Version 2. Collection method: clinical testing. Allele origin: germline. Affected: yes. Observed: 1 variant allele.
Comment: RECQL4: PM2:Supporting, BP4, BP7

NM_004260.4(RECQL4):c.2397G>A (p.Val799=)

Gene: RECQL4 (RecQ like helicase 4; minus strand). Cytogenetic location: 8q24.3.
Variant type: single nucleotide variant.
Coding change: c.2397G>A on transcript NM_004260.4 (MANE Select); coding-DNA position 2397, G replaced by A.
Protein change: p.Val799=; no amino-acid change (valine 799 retained).
Molecular consequence: synonymous variant.
Genome position (GRCh38, 1-based): chr8:144,513,284, C>T on the plus strand (G>A on the coding strand, the complement: RECQL4 is on the minus strand). VCF-style: chr8-144513284-C-T. GRCh37 (hg19) VCF-style: chr8-145738667-C-T.
Identifiers: ClinVar variation 754619 (VCV000754619.33), dbSNP rs1586802025, ClinGen allele CA463566672.
Genomic context (GRCh38, chr8:144,513,284, plus strand): 5'-CTGCAGGAAGAGGTGGCAGTGGGCAGGCTGCCCGTCACGCCCGGCCCGGCCCACGGCCTG[C>T]ACGTAGCTCTCGAAGCTTGGGGGCAGCCCCAGATGCAGCACAGCCCGCACATCTGGCCGG-3'
Protein context (NP_004251.4, residues 789-809): LGLPPSFESY[Val799=]QAVGRAGRDG